The following is an entry in ClinVar:

NM_000059.4(BRCA2):c.8404_8405delinsT (p.Pro2802fs)

Gene: BRCA2 (BRCA2 DNA repair associated; plus strand). Cytogenetic location: 13q13.1.
Variant type: Indel.
Coding change: c.8404_8405delinsT on transcript NM_000059.4 (MANE Select); coding-DNA positions 8404 to 8405, CC replaced by T.
Protein change: p.Pro2802fs; shifts the reading frame from proline 2802.
Molecular consequence: frameshift variant. On other transcripts: non-coding transcript variant (1).
Genome position (GRCh38, 1-based): chr13:32,370,474-32,370,475, CC replaced by T. VCF-style: chr13-32370474-CC-T. GRCh37 (hg19) VCF-style: chr13-32944611-CC-T.
Other names: c.8308_8309delinsT, p.Pro2770fs (NM_001406719.1); c.8404_8405delinsT, p.Pro2802fs (NM_001406720.1); c.3472_3473delinsT, p.Pro1158fs (NM_001406721.1); c.1987_1988delinsT, p.Pro663fs (NM_001406722.1); short protein forms P1158fs, P2770fs, P2802fs, P663fs.
Identifiers: ClinVar variation 2674571 (VCV002674571.1), dbSNP rs2548550068, ClinGen allele CA2695199690.

ClinVar aggregate classification (germline): Pathogenic (1 of 4 stars; one submission).

Conditions:
Breast-ovarian cancer, familial, susceptibility to, 2 (BROVCA2). Also called: BRCA2 Hereditary Breast and Ovarian Cancer. Identifiers: Orphanet 145, MedGen C2675520, MONDO:0012933, OMIM 612555. Disease mechanism: loss of function.

Submission:

Myriad Genetics, Inc.
Classification: Pathogenic for Breast-ovarian cancer, familial, susceptibility to, 2. Last evaluated: 2023-09-27. Review status: criteria provided, single submitter. Criteria: Myriad Autosomal Dominant, Autosomal Recessive and X-Linked Classification Criteria (2023). Collection method: clinical testing. Allele origin: unknown.
Comment: This variant is considered pathogenic. This variant creates a frameshift predicted to result in premature protein truncation.